The following is an entry in ClinVar:

NM_002591.4(PCK1):c.1107C>T (p.Tyr369=)

Gene: PCK1 (phosphoenolpyruvate carboxykinase 1; plus strand). Cytogenetic location: 20q13.31.
Variant type: single nucleotide variant.
Coding change: c.1107C>T on transcript NM_002591.4 (MANE Select); coding-DNA position 1107, C replaced by T.
Protein change: p.Tyr369=; no amino-acid change (tyrosine 369 retained).
Molecular consequence: synonymous variant.
Genome position (GRCh38, 1-based): chr20:57,564,314, C>T. VCF-style: chr20-57564314-C-T. GRCh37 (hg19) VCF-style: chr20-56139370-C-T.
Identifiers: ClinVar variation 3053552 (VCV003053552.2), dbSNP rs973853096, ClinGen allele CA511310772.

ClinVar aggregate classification (germline): Likely benign (0 of 4 stars; one submission).

Conditions:
PCK1-related disorder. Also called: PCK1-related condition.

gnomAD v4.1: 1 of 1,614,128 alleles (0.000062%); highest among the groups gnomAD compares: Non-Finnish European, 0.000085%; no homozygotes.

Submission:

PreventionGenetics, part of Exact Sciences
Classification: Likely benign for PCK1-related condition. Last evaluated: 2019-08-15. Review status: no assertion criteria provided. Collection method: clinical testing. Allele origin: germline.
Comment: This variant is classified as likely benign based on ACMG/AMP sequence variant interpretation guidelines (Richards et al. 2015 PMID: 25741868, with internal and published modifications).